The following is an entry in ClinVar:

ClinVar aggregate classification (germline): Uncertain significance (1 of 4 stars; one submission).

Submission:

Labcorp Genetics (formerly Invitae), Labcorp
Classification: Uncertain significance. Last evaluated: 2024-01-15. Review status: criteria provided, single submitter. Criteria: Invitae Variant Classification Sherloc (09022015). Collection method: clinical testing. Allele origin: germline.
Comment: This sequence change replaces proline, which is neutral and non-polar, with arginine, which is basic and polar, at codon 1690 of the USH2A protein (p.Pro1690Arg). This variant is not present in population databases (gnomAD no frequency). This variant has not been reported in the literature in individuals affected with USH2A-related conditions. Advanced modeling of protein sequence and biophysical properties (such as structural, functional, and spatial information, amino acid conservation, physicochemical variation, residue mobility, and thermodynamic stability) performed at Invitae indicates that this missense variant is not expected to disrupt USH2A protein function with a negative predictive value of 95%. In summary, the available evidence is currently insufficient to determine the role of this variant in disease. Therefore, it has been classified as a Variant of Uncertain Significance.

NM_206933.4(USH2A):c.5069C>G (p.Pro1690Arg)

Genes: USH2A (usherin; minus strand), USH2A-AS2 (USH2A antisense RNA 2; plus strand). Cytogenetic location: 1q41.
Variant type: single nucleotide variant.
Coding change: c.5069C>G on transcript NM_206933.4 (MANE Select); coding-DNA position 5069, C replaced by G.
Protein change: p.Pro1690Arg; replaces proline 1690 with arginine.
Molecular consequence: missense variant.
Genome position (GRCh38, 1-based): chr1:216,084,796, G>C on the plus strand (C>G on the coding strand, the complement: USH2A is on the minus strand). VCF-style: chr1-216084796-G-C. GRCh37 (hg19) VCF-style: chr1-216258138-G-C.
Other names: short protein forms P1690R.
Identifiers: ClinVar variation 2818025 (VCV002818025.3), dbSNP rs2527808705, ClinGen allele CA344859108.